The following is an entry in ClinVar:

NM_206933.4(USH2A):c.2531_2532del (p.Cys844fs)

Genes: USH2A (usherin; minus strand), LOC122152296 (Sharpr-MPRA regulatory region 8762; plus strand). Cytogenetic location: 1q41.
Variant type: Deletion.
Coding change: c.2531_2532del on transcript NM_206933.4 (MANE Select); coding-DNA positions 2531 to 2532, 2 bases deleted (GT; older notation c.2531_2532delGT).
Protein change: p.Cys844fs; shifts the reading frame from cysteine 844.
Molecular consequence: frameshift variant.
Genome position (GRCh38, 1-based): chr1:216,246,862-216,246,863, AC deleted on the plus strand (GT on the coding strand, the reverse complement: USH2A is on the minus strand); deleting any 2 consecutive bases within chr1:216,246,862-216,246,864 gives the same sequence; the c. name uses the placement nearest the transcript's 3' end. VCF-style (leftmost placement, unchanged base first): chr1-216246861-GAC-G. GRCh37 (hg19) VCF-style: chr1-216420203-GAC-G.
Other names: c.2531_2532del, p.Cys844fs (NM_007123.6); short protein forms C844fs.
Identifiers: ClinVar variation 1456276 (VCV001456276.6), dbSNP rs2102545572, ClinGen allele CA2573132759.
Genomic context (GRCh38, chr1:216,246,861, plus strand): 5'-TTGATTTGTTACACAGCAGAGAGCCATTTATTGTCCCAGTCTTATCACAGTTGCAAGGCA[GAC>G]AGAGGAAAGAATTATTTTGCCGTAGGTAGAAGTTTCCCTCCAAACATTTATTGCACTGTC-3'

ClinVar aggregate classification (germline): Pathogenic (1 of 4 stars; one submission).

Submission:

Labcorp Genetics (formerly Invitae), Labcorp
Classification: Pathogenic. Last evaluated: 2020-12-29. Review status: criteria provided, single submitter. Criteria: Invitae Variant Classification Sherloc (09022015). Collection method: clinical testing. Allele origin: germline.
Comment: This variant has not been reported in the literature in individuals with USH2A-related conditions. This variant is not present in population databases (ExAC no frequency). This sequence change creates a premature translational stop signal (p.Cys844Serfs*6) in the USH2A gene. It is expected to result in an absent or disrupted protein product. Loss-of-function variants in USH2A are known to be pathogenic (PMID: 10729113, 10909849, 20507924, 25649381). For these reasons, this variant has been classified as Pathogenic.

Literature cited by the submitters: PubMed 10729113; PubMed 10909849; PubMed 20507924; PubMed 25649381.